The following is an entry in ClinVar:

NM_006231.4(POLE):c.2059C>A (p.Gln687Lys)

Gene: POLE (DNA polymerase epsilon, catalytic subunit; minus strand). Cytogenetic location: 12q24.33.
Variant type: single nucleotide variant.
Coding change: c.2059C>A on transcript NM_006231.4 (MANE Select); coding-DNA position 2059, C replaced by A.
Protein change: p.Gln687Lys; replaces glutamine 687 with lysine.
Molecular consequence: missense variant.
Genome position (GRCh38, 1-based): chr12:132,668,470, G>T on the plus strand (C>A on the coding strand, the complement: POLE is on the minus strand). VCF-style: chr12-132668470-G-T. GRCh37 (hg19) VCF-style: chr12-133245056-G-T.
Other names: short protein forms Q687K.
Identifiers: ClinVar variation 574687 (VCV000574687.10), dbSNP rs1048718993, ClinGen allele CA246288812.
Genomic context (GRCh38, chr12:132,668,470, plus strand): 5'-AGGCCCGAGCTGGCCCCTCTGGGAACAAGGGGGGGAACTTCTCTGACTCCAGCTGGTGCT[G>T]GATCCGATGGTATTCGCTGCGACTGGCTGGCACTGGGAAGGAGGCAATGGGGGCAAGTTC-3'
Protein context (NP_006222.2, residues 677-697): PASRSEYHRI[Gln687Lys]HQLESEKFPP

ClinVar aggregate classification (germline): Uncertain significance (1 of 4 stars; one submission).

Allele frequency attached by ClinVar (database versions not stated): TOPMed below 0.00001; gnomAD 0.00001; gnomAD exomes below 0.00001.

Submission:

Labcorp Genetics (formerly Invitae), Labcorp
Classification: Uncertain significance. Last evaluated: 2019-08-10. Review status: criteria provided, single submitter. Criteria: Invitae Variant Classification Sherloc (09022015). Collection method: clinical testing. Allele origin: germline.
Comment: In summary, the available evidence is currently insufficient to determine the role of this variant in disease. Therefore, it has been classified as a Variant of Uncertain Significance. Algorithms developed to predict the effect of missense changes on protein structure and function (SIFT, PolyPhen-2, Align-GVGD) all suggest that this variant is likely to be tolerated, but these predictions have not been confirmed by published functional studies and their clinical significance is uncertain. This variant has not been reported in the literature in individuals with POLE-related conditions. ClinVar contains an entry for this variant (Variation ID: 574687). This variant is not present in population databases (ExAC no frequency). This sequence change replaces glutamine with lysine at codon 687 of the POLE protein (p.Gln687Lys). The glutamine residue is highly conserved and there is a small physicochemical difference between glutamine and lysine.